The following is an entry in ClinVar:

ClinVar aggregate classification (germline): Uncertain significance (1 of 4 stars; one submission).

Conditions:
Early-infantile DEE. Also called: Early infantile epileptic encephalopathy with suppression bursts; Early infantile epileptic encephalopathy; Ohtahara syndrome. Identifiers: Orphanet 1934, MedGen C0393706, MONDO:0800491.

gnomAD v4.1: 5 of 1,614,082 alleles (0.00031%); highest among the groups gnomAD compares: Non-Finnish European, 0.00042%; no homozygotes.

Submission:

Labcorp Genetics (formerly Invitae), Labcorp
Classification: Uncertain significance for Early-infantile DEE. Last evaluated: 2022-07-14. Review status: criteria provided, single submitter. Criteria: Invitae Variant Classification Sherloc (09022015). Collection method: clinical testing. Allele origin: germline.
Comment: Advanced modeling of protein sequence and biophysical properties (such as structural, functional, and spatial information, amino acid conservation, physicochemical variation, residue mobility, and thermodynamic stability) performed at Invitae indicates that this missense variant is not expected to disrupt KCNH5 protein function. This sequence change replaces isoleucine, which is neutral and non-polar, with arginine, which is basic and polar, at codon 408 of the KCNH5 protein (p.Ile408Arg). This variant is not present in population databases (gnomAD no frequency). This variant has not been reported in the literature in individuals affected with KCNH5-related conditions. In summary, the available evidence is currently insufficient to determine the role of this variant in disease. Therefore, it has been classified as a Variant of Uncertain Significance.

NM_139318.5(KCNH5):c.1223T>G (p.Ile408Arg)

Gene: KCNH5 (potassium voltage-gated channel subfamily H member 5; minus strand). Cytogenetic location: 14q23.2.
Variant type: single nucleotide variant.
Coding change: c.1223T>G on transcript NM_139318.5 (MANE Select); coding-DNA position 1223, T replaced by G.
Protein change: p.Ile408Arg; replaces isoleucine 408 with arginine.
Molecular consequence: missense variant.
Genome position (GRCh38, 1-based): chr14:62,950,279, A>C on the plus strand (T>G on the coding strand, the complement: KCNH5 is on the minus strand). VCF-style: chr14-62950279-A-C. GRCh37 (hg19) VCF-style: chr14-63416997-A-C.
Other names: c.1223T>G, p.Ile408Arg (NM_172375.3); short protein forms I408R.
Identifiers: ClinVar variation 1719191 (VCV001719191.5), dbSNP rs2503004856, ClinGen allele CA390102991.